The following is an entry in ClinVar:

NM_138959.3(VANGL1):c.*4478C>T

Gene: VANGL1 (VANGL planar cell polarity protein 1; plus strand). Cytogenetic location: 1p13.1.
Variant type: single nucleotide variant.
Coding change: c.*4478C>T on transcript NM_138959.3 (MANE Select); 4478 bases downstream of the stop codon, C replaced by T.
Molecular consequence: 3 prime UTR variant.
Genome position (GRCh38, 1-based): chr1:115,695,857, C>T. VCF-style: chr1-115695857-C-T. GRCh37 (hg19) VCF-style: chr1-116238478-C-T.
Other names: c.*4478C>T (NM_001172411.2, NM_001172412.2).
Identifiers: ClinVar variation 292075 (VCV000292075.8), dbSNP rs17034226, ClinGen allele CA10607574.

ClinVar aggregate classification (germline): Benign/Likely benign. Review status: criteria provided, multiple submitters, no conflicts (2 of 4 stars). 3 submissions from 2 submitters: Benign (2); Likely benign (1). Last evaluated 2018-01-13.

Conditions:
Sacral defect with anterior meningocele. Identifiers: MedGen C1838568, OMIM 600145.
Neural tube defect (NTD). Also called: Neural tube defects. Identifiers: Orphanet 3388, Orphanet 823, MedGen C0027794, MONDO:0018075, HP:0045005.

Allele frequency attached by ClinVar (database versions not stated): gnomAD exomes 0.37500; gnomAD 0.41737 and 0.41876; TOPMed 0.42209; 1000 Genomes Project 0.44010; 1000 Genomes Project 30x 0.44535.
gnomAD v4.1: 63,486 of 151,978 alleles (42%); highest among the groups gnomAD compares: African/African-American, 50%; 13,538 homozygotes.

Submissions (3):

Illumina Laboratory Services, Illumina
Classification: Benign for Neural tube defects, susceptibility to. Last evaluated: 2018-01-13. Review status: criteria provided, single submitter. Criteria: ICSL Variant Classification Criteria 13 December 2019. Collection method: clinical testing. Allele origin: germline.
Comment: This variant was observed in the ICSL laboratory as part of a predisposition screen in an ostensibly healthy population. It had not been previously curated by ICSL or reported in the Human Gene Mutation Database (HGMD: prior to June 1st, 2018), and was therefore a candidate for classification through an automated scoring system. Utilizing variant allele frequency, disease prevalence and penetrance estimates, and inheritance mode, an automated score was calculated to assess if this variant is too frequent to cause the disease. Based on the score and internal cut-off values, a variant classified as benign is not then subjected to further curation. The score for this variant resulted in a classification of benign for this disease.

Illumina Laboratory Services, Illumina
Classification: Benign for Sacral defect with anterior meningocele. Last evaluated: 2018-01-13. Review status: criteria provided, single submitter. Criteria: ICSL Variant Classification Criteria 13 December 2019. Collection method: clinical testing. Allele origin: germline.
Comment: the same text as in the submission from Illumina Laboratory Services, Illumina above.

Breakthrough Genomics
Classification: Likely benign. Review status: criteria provided, single submitter. Criteria: ACMG Guidelines, 2015. Collection method: not provided. Allele origin: germline. Inheritance: Autosomal dominant inheritance. Affected: yes.